The following is an entry in ClinVar:

NM_152701.5(ABCA13):c.7628A>G (p.His2543Arg)

Gene: ABCA13 (ATP binding cassette subfamily A member 13; plus strand). Cytogenetic location: 7p12.3.
Variant type: single nucleotide variant.
Coding change: c.7628A>G on transcript NM_152701.5 (MANE Select); coding-DNA position 7628, A replaced by G.
Protein change: p.His2543Arg; replaces histidine 2543 with arginine.
Molecular consequence: missense variant.
Genome position (GRCh38, 1-based): chr7:48,278,822, A>G. VCF-style: chr7-48278822-A-G. GRCh37 (hg19) VCF-style: chr7-48318419-A-G.
Other names: c.7628A>G (NM_152701.4); short protein forms H2543R.
Identifiers: ClinVar variation 2657477 (VCV002657477.25), dbSNP rs191015288, ClinGen allele CA4257557.

ClinVar aggregate classification (germline): Likely benign. Review status: criteria provided, single submitter (1 of 4 stars). 2 submissions from 2 submitters: Likely benign (1). 1 of the submissions does not count toward it. Last evaluated 2023-03-01.

Conditions:
ABCA13-related disorder. Also called: ABCA13-related condition.

Allele frequency attached by ClinVar (database versions not stated): 1000 Genomes Project 30x 0.00031; 1000 Genomes Project 0.00040; ESP Exome Variant Server 0.00101; ExAC 0.00110; gnomAD exomes 0.00119; gnomAD 0.00125; TOPMed 0.00146.
gnomAD v4.1: 1,952 of 1,613,844 alleles (0.12%); highest among the groups gnomAD compares: Non-Finnish European, 0.15%; 2 homozygotes.

Submissions (2):

CeGaT Center for Human Genetics Tuebingen
Classification: Likely benign. Last evaluated: 2023-03-01. Review status: criteria provided, single submitter. Criteria: CeGaT Center For Human Genetics Tuebingen Variant Classification Criteria Version 2. Collection method: clinical testing. Allele origin: germline. Affected: yes. Observed: 2 variant alleles.
Comment: ABCA13: BP4, BS1

PreventionGenetics, part of Exact Sciences
Classification: Likely benign for ABCA13-related condition. Last evaluated: 2022-07-19. Review status: no assertion criteria provided. Collection method: clinical testing. Allele origin: germline. Not counted in ClinVar's aggregate classification.
Comment: This variant is classified as likely benign based on ACMG/AMP sequence variant interpretation guidelines (Richards et al. 2015 PMID: 25741868, with internal and published modifications).